The following is an entry in ClinVar:

NM_015692.5(CPAMD8):c.881G>A (p.Arg294Gln)

Gene: CPAMD8 (C3 and PZP like alpha-2-macroglobulin domain containing 8; minus strand). Cytogenetic location: 19p13.11.
Variant type: single nucleotide variant.
Coding change: c.881G>A on transcript NM_015692.5 (MANE Select); coding-DNA position 881, G replaced by A.
Protein change: p.Arg294Gln; replaces arginine 294 with glutamine.
Molecular consequence: missense variant. On other transcripts: non-coding transcript variant (1).
Genome position (GRCh38, 1-based): chr19:16,997,325, C>T on the plus strand (G>A on the coding strand, the complement: CPAMD8 is on the minus strand). VCF-style: chr19-16997325-C-T. GRCh37 (hg19) VCF-style: chr19-17108135-C-T.
Other names: short protein forms R294Q.
Identifiers: ClinVar variation 1258856 (VCV001258856.14), dbSNP rs3745340, ClinGen allele CA9285898.

ClinVar aggregate classification (germline): Benign. Review status: criteria provided, multiple submitters, no conflicts (2 of 4 stars). 4 submissions from 4 submitters: Benign (3). 1 of the submissions does not count toward it. Last evaluated 2026-02-02.

Conditions:
CPAMD8-related disorder. Also called: CPAMD8-related condition.

Allele frequency attached by ClinVar (database versions not stated): gnomAD 0.32164 and 0.31848; 1000 Genomes Project 0.32927; gnomAD exomes 0.35573; TOPMed 0.32590; ESP Exome Variant Server 0.31790; 1000 Genomes Project 30x 0.32386; ExAC 0.41114.
gnomAD v4.1: 566,909 of 1,565,230 alleles (36%); highest among the groups gnomAD compares: East Asian, 50%; 105,896 homozygotes.

Submissions (7):

Labcorp Genetics (formerly Invitae), Labcorp
Classification: Benign. Last evaluated: 2026-02-02. Review status: criteria provided, single submitter. Criteria: Invitae Variant Classification Sherloc (09022015). Collection method: clinical testing. Allele origin: germline.

GeneDx
Classification: Benign. Last evaluated: 2021-05-04. Review status: criteria provided, single submitter. Criteria: GeneDx Variant Classification Process June 2021. Collection method: clinical testing. Allele origin: germline. Affected: yes.

Breakthrough Genomics
Classification: Benign. Review status: criteria provided, single submitter. Criteria: ACMG Guidelines, 2015. Collection method: not provided. Allele origin: germline. Inheritance: Autosomal recessive inheritance. Affected: yes.

PreventionGenetics, part of Exact Sciences
Classification: Benign for CPAMD8-related condition. Last evaluated: 2019-03-05. Review status: no assertion criteria provided. Collection method: clinical testing. Allele origin: germline. Not counted in ClinVar's aggregate classification.
Comment: This variant is classified as benign based on ACMG/AMP sequence variant interpretation guidelines (Richards et al. 2015 PMID: 25741868, with internal and published modifications).

Dr. Peter K. Rogan Lab, Western University
No classification provided (evidence only). Condition: Uterine carcinosarcoma. Review status: no classification provided. Collection method: in vitro. Allele origin: not applicable. Functional consequence: retained intron. Not counted in ClinVar's aggregate classification.

Dr. Peter K. Rogan Lab, Western University
No classification provided (evidence only). Condition: Uterine carcinosarcoma. Review status: no classification provided. Collection method: in vitro. Allele origin: not applicable. Functional consequence: retained intron. Not counted in ClinVar's aggregate classification.

Dr. Peter K. Rogan Lab, Western University
No classification provided (evidence only). Condition: Uterine carcinosarcoma. Review status: no classification provided. Collection method: in vitro. Allele origin: not applicable. Functional consequence: retained intron. Not counted in ClinVar's aggregate classification.